The following is an entry in ClinVar:

ClinVar aggregate classification (germline): Uncertain significance (1 of 4 stars; one submission).

Conditions:
ARID1B-Related Disorder. Identifiers: MedGen CN381337.

Submission:

PreventionGenetics, part of Exact Sciences
Classification: Uncertain significance for ARID1B-related condition. Last evaluated: 2023-01-30. Review status: criteria provided, single submitter. Criteria: ACMG Guidelines, 2015. Collection method: clinical testing. Allele origin: germline.
Comment: The ARID1B c.5470G>A variant is predicted to result in the amino acid substitution p.Gly1824Ser. To our knowledge, this variant has not been reported in the literature or in a large population database, indicating this variant is rare. At this time, the clinical significance of this variant is uncertain due to the absence of conclusive functional and genetic evidence.

NM_001374828.1(ARID1B):c.5839G>A (p.Gly1947Ser)

Gene: ARID1B (AT-rich interaction domain 1B; plus strand). Cytogenetic location: 6q25.3.
Variant type: single nucleotide variant.
Coding change: c.5839G>A on transcript NM_001374828.1 (MANE Select); coding-DNA position 5839, G replaced by A.
Protein change: p.Gly1947Ser; replaces glycine 1947 with serine.
Molecular consequence: missense variant.
Genome position (GRCh38, 1-based): chr6:157,206,611, G>A. VCF-style: chr6-157206611-G-A. GRCh37 (hg19) VCF-style: chr6-157527745-G-A.
Other names: c.5590G>A, p.Gly1864Ser (NM_001346813.1); c.3340G>A, p.Gly1114Ser (NM_001363725.2); c.5719G>A, p.Gly1907Ser (NM_001371656.1, NM_001374820.1); c.5680G>A, p.Gly1894Ser (NM_017519.3); c.5470G>A, p.Gly1824Ser (NM_020732.3); c.5257G>A, p.Gly1753Ser (NM_175863.2); short protein forms G1114S, G1753S, G1824S, G1864S, G1894S, G1907S, G1947S.
Identifiers: ClinVar variation 2630364 (VCV002630364.1), dbSNP rs2538765650, ClinGen allele CA366246962.